The following is an entry in ClinVar:

ClinVar aggregate classification (germline): Uncertain significance (1 of 4 stars; one submission).

Submission:

GeneDx
Classification: Uncertain significance. Last evaluated: 2025-02-12. Review status: criteria provided, single submitter. Criteria: GeneDx Variant Classification Process June 2021. Collection method: clinical testing. Allele origin: germline. Affected: yes.
Comment: Not observed at significant frequency in large population cohorts (gnomAD); In silico analysis indicates that this missense variant does not alter protein structure/function; Has not been previously published as pathogenic or benign to our knowledge

NM_001330288.2(SMARCC2):c.3602G>A (p.Ser1201Asn)

Gene: SMARCC2 (SWI/SNF related BAF chromatin remodeling complex subunit C2; minus strand). Cytogenetic location: 12q13.2.
Variant type: single nucleotide variant.
Coding change: c.3602G>A on transcript NM_001330288.2 (MANE Select); coding-DNA position 3602, G replaced by A.
Protein change: p.Ser1201Asn; replaces serine 1201 with asparagine.
Molecular consequence: missense variant. On other transcripts: intron variant (1).
Genome position (GRCh38, 1-based): chr12:56,164,362, C>T on the plus strand (G>A on the coding strand, the complement: SMARCC2 is on the minus strand). VCF-style: chr12-56164362-C-T. GRCh37 (hg19) VCF-style: chr12-56558146-C-T.
Other names: c.3323G>A, p.Ser1108Asn (NM_001130420.3); c.3509G>A, p.Ser1170Asn (NM_003075.5); c.3316+286G>A (NM_139067.4); short protein forms S1108N, S1170N, S1201N.
Identifiers: ClinVar variation 4076697 (VCV004076697.1).
Genomic context (GRCh38, chr12:56,164,362, plus strand): 5'-CCTGGCAGTGGGCTGGCACTGGGCAGGAGGTTGCCCTGAACAGCTGCCACAATGGCAGGG[C>T]TTTGGGCTGCGGCGGATCCGAGCCCCGGCCCGAGAGGCAAGGAAGATGGCATGGTGGTGG-3'
Protein context (NP_001317217.1, residues 1191-1211): GPGLGSAAAQ[Ser1201Asn]PAIVAAVQGN